The following is an entry in ClinVar:

NM_006648.4(WNK2):c.3902A>T (p.Tyr1301Phe)

Gene: WNK2 (WNK lysine deficient protein kinase 2; plus strand). Cytogenetic location: 9q22.31.
Variant type: single nucleotide variant.
Coding change: c.3902A>T on transcript NM_006648.4 (MANE Select); coding-DNA position 3902, A replaced by T.
Protein change: p.Tyr1301Phe; replaces tyrosine 1301 with phenylalanine.
Molecular consequence: missense variant.
Genome position (GRCh38, 1-based): chr9:93,268,054, A>T. VCF-style: chr9-93268054-A-T. GRCh37 (hg19) VCF-style: chr9-96030336-A-T.
Other names: c.3902A>T, p.Tyr1301Phe (NM_001282394.3); short protein forms Y1301F.
Identifiers: ClinVar variation 5031843 (VCV005031843.1).

ClinVar aggregate classification (germline): Uncertain significance (1 of 4 stars; one submission).

Submission:

Ambry Genetics
Classification: Uncertain significance. Last evaluated: 2026-07-11. Review status: criteria provided, single submitter. Criteria: Ambry Variant Classification Scheme 2023. Collection method: clinical testing. Allele origin: germline.
Comment: The p.Y1301F variant (also known as c.3902A>T), located in coding exon 17 of the WNK2 gene, results from an A to T substitution at nucleotide position 3902. The tyrosine at codon 1301 is replaced by phenylalanine, an amino acid with highly similar properties. This amino acid position is conserved. In addition, this alteration is predicted to be tolerated by in silico analysis. Based on the available evidence, the clinical significance of this variant remains unclear.